The following is an entry in ClinVar:

ClinVar aggregate classification (germline): Uncertain significance (1 of 4 stars; one submission).

Conditions:
Inborn genetic diseases. Identifiers: MedGen C0950123, MeSH D030342.

Allele frequency attached by ClinVar (database versions not stated): TOPMed 0.00001.
gnomAD v4.1: 6 of 1,613,156 alleles (0.00037%); highest among the groups gnomAD compares: Non-Finnish European, 0.00051%; no homozygotes.

Submission:

Ambry Genetics
Classification: Uncertain significance for Inborn genetic diseases. Last evaluated: 2020-12-11. Review status: criteria provided, single submitter. Criteria: Ambry Variant Classification Scheme 2023. Collection method: clinical testing. Allele origin: germline.
Comment: The c.931G>T (p.V311L) alteration is located in exon 7 (coding exon 7) of the TRMT1 gene. This alteration results from a G to T substitution at nucleotide position 931, causing the valine (V) at amino acid position 311 to be replaced by a leucine (L). The p.V311L alteration is predicted to be tolerated by in silico analysis. Based on insufficient or conflicting evidence, the clinical significance of this alteration remains unclear.

NM_001136035.4(TRMT1):c.931G>T (p.Val311Leu)

Gene: TRMT1 (tRNA methyltransferase 1; minus strand). Cytogenetic location: 19p13.13.
Variant type: single nucleotide variant.
Coding change: c.931G>T on transcript NM_001136035.4 (MANE Select); coding-DNA position 931, G replaced by T.
Protein change: p.Val311Leu; replaces valine 311 with leucine.
Molecular consequence: missense variant.
Genome position (GRCh38, 1-based): chr19:13,110,246, C>A on the plus strand (G>T on the coding strand, the complement: TRMT1 is on the minus strand). VCF-style: chr19-13110246-C-A. GRCh37 (hg19) VCF-style: chr19-13221060-C-A.
Other names: c.931G>T, p.Val311Leu (NM_001142554.3, NM_001351760.2, NM_017722.5); c.823G>T, p.Val275Leu (NM_001351761.2); c.148G>T, p.Val50Leu (NM_001351762.2); short protein forms V50L, V275L, V311L.
Identifiers: ClinVar variation 2204292 (VCV002204292.2), dbSNP rs1208523013, ClinGen allele CA404314139.